The following is an entry in ClinVar:

ClinVar aggregate classification (germline): Benign (1 of 4 stars; one submission).

Allele frequency attached by ClinVar (database versions not stated): TOPMed 0.71195; 1000 Genomes Project 30x 0.75999; 1000 Genomes Project 0.76218.
gnomAD v4.1: 107,803 of 152,162 alleles (71%); highest among the groups gnomAD compares: East Asian, 91%; 38,645 homozygotes.

Submission:

GeneDx
Classification: Benign. Last evaluated: 2018-06-14. Review status: criteria provided, single submitter. Criteria: GeneDx Variant Classification (06012015). Collection method: clinical testing. Allele origin: germline. Affected: yes.
Comment: This variant is considered likely benign or benign based on one or more of the following criteria: it is a conservative change, it occurs at a poorly conserved position in the protein, it is predicted to be benign by multiple in silico algorithms, and/or has population frequency not consistent with disease.

NM_000093.5(COL5A1):c.924+194A>C

Gene: COL5A1 (collagen type V alpha 1 chain; plus strand). Cytogenetic location: 9q34.3.
Variant type: single nucleotide variant.
Coding change: c.924+194A>C on transcript NM_000093.5 (MANE Select); 194 bases into the intron after coding-DNA position 924, A replaced by C.
Molecular consequence: intron variant.
Genome position (GRCh38, 1-based): chr9:134,729,001, A>C. VCF-style: chr9-134729001-A-C. GRCh37 (hg19) VCF-style: chr9-137620847-A-C.
Other names: c.924+194A>C (NM_001278074.1).
Identifiers: ClinVar variation 672243 (VCV000672243.1), dbSNP rs3128597, ClinGen allele CA12975117.